The following is an entry in ClinVar:

NM_144997.7(FLCN):c.106G>C (p.Glu36Gln)

Gene: FLCN (folliculin; minus strand). Cytogenetic location: 17p11.2.
Variant type: single nucleotide variant.
Coding change: c.106G>C on transcript NM_144997.7 (MANE Select); coding-DNA position 106, G replaced by C.
Protein change: p.Glu36Gln; replaces glutamic acid 36 with glutamine.
Molecular consequence: missense variant.
Genome position (GRCh38, 1-based): chr17:17,228,032, C>G on the plus strand (G>C on the coding strand, the complement: FLCN is on the minus strand). VCF-style: chr17-17228032-C-G. GRCh37 (hg19) VCF-style: chr17-17131346-C-G.
Other names: c.106G>C, p.Glu36Gln (NM_001353229.2, NM_001353230.2, NM_001353231.2 and 1 more transcripts); short protein forms E36Q.
Identifiers: ClinVar variation 822110 (VCV000822110.7), dbSNP rs1597618071, ClinGen allele CA398535322.

ClinVar aggregate classification (germline): Uncertain significance. Review status: criteria provided, multiple submitters, no conflicts (2 of 4 stars). 2 submissions from 2 submitters: Uncertain significance (2). Last evaluated 2025-09-10.

Conditions:
Birt-Hogg-Dube syndrome. Also called: Birt Hogg Dubé syndrome. Identifiers: Orphanet 122, MedGen C0346010, MONDO:0800444.
Hereditary cancer-predisposing syndrome. Also called: Hereditary Cancer Syndrome; Neoplastic Syndromes, Hereditary; Hereditary neoplastic syndrome; Tumor predisposition. Identifiers: Orphanet 140162, MedGen C0027672, MeSH D009386, MONDO:0015356.

Allele frequency attached by ClinVar (database versions not stated): gnomAD exomes 0.00001.
gnomAD v4.1: 8 of 1,613,972 alleles (0.0005%); highest among the groups gnomAD compares: Non-Finnish European, 0.00059%; no homozygotes.

Submissions (2):

Labcorp Genetics (formerly Invitae), Labcorp
Classification: Uncertain significance for Birt-Hogg-Dube syndrome. Last evaluated: 2025-09-10. Review status: criteria provided, single submitter. Criteria: Invitae Variant Classification Sherloc (09022015). Collection method: clinical testing. Allele origin: germline.
Comment: This sequence change replaces glutamic acid, which is acidic and polar, with glutamine, which is neutral and polar, at codon 36 of the FLCN protein (p.Glu36Gln). This variant is not present in population databases (gnomAD no frequency). This variant has not been reported in the literature in individuals affected with FLCN-related conditions. ClinVar contains an entry for this variant (Variation ID: 822110). Invitae Evidence Modeling of protein sequence and biophysical properties (such as structural, functional, and spatial information, amino acid conservation, physicochemical variation, residue mobility, and thermodynamic stability) indicates that this missense variant is not expected to disrupt FLCN protein function with a negative predictive value of 80%. In summary, the available evidence is currently insufficient to determine the role of this variant in disease. Therefore, it has been classified as a Variant of Uncertain Significance.

Ambry Genetics
Classification: Uncertain significance for Hereditary cancer-predisposing syndrome. Last evaluated: 2025-09-02. Review status: criteria provided, single submitter. Criteria: Ambry Variant Classification Scheme 2023. Collection method: clinical testing. Allele origin: germline.
Comment: The p.E36Q variant (also known as c.106G>C), located in coding exon 1 of the FLCN gene, results from a G to C substitution at nucleotide position 106. The glutamic acid at codon 36 is replaced by glutamine, an amino acid with highly similar properties. This amino acid position is poorly conserved in available vertebrate species. In addition, this alteration is predicted to be tolerated by in silico analysis. Since supporting evidence is limited at this time, the clinical significance of this alteration remains unclear.